The following is an entry in ClinVar:

ClinVar aggregate classification (germline): Conflicting classifications of pathogenicity. Review status: criteria provided, conflicting classifications (1 of 4 stars). 2 submissions from 2 submitters: Uncertain significance (1); Benign (1). Last evaluated 2025-11-26.

Conditions:
Hereditary cancer-predisposing syndrome. Also called: Hereditary neoplastic syndrome; Hereditary Cancer Syndrome; Neoplastic Syndromes, Hereditary; Tumor predisposition. Identifiers: Orphanet 140162, MedGen C0027672, MeSH D009386, MONDO:0015356.
Ataxia-telangiectasia syndrome (AT). Also called: Ataxia-telangiectasia, complementation group D; LOUIS-BAR SYNDROME; ATAXIA-TELANGIECTASIA, COMPLEMENTATION GROUP A; ATAXIA-TELANGIECTASIA, FRESNO VARIANT; Ataxia telangiectasia (A-T); Cerebello-oculocutaneous telangiectasia. Identifiers: Orphanet 100, MedGen C0004135, MONDO:0008840, OMIM 208900.

Submissions (2):

Ambry Genetics
Classification: Benign for Hereditary cancer-predisposing syndrome. Last evaluated: 2025-11-26. Review status: criteria provided, single submitter. Criteria: Ambry Variant Classification Scheme 2023. Collection method: clinical testing. Allele origin: germline.

Labcorp Genetics (formerly Invitae), Labcorp
Classification: Uncertain significance for Ataxia-telangiectasia syndrome. Last evaluated: 2023-11-08. Review status: criteria provided, single submitter. Criteria: Invitae Variant Classification Sherloc (09022015). Collection method: clinical testing. Allele origin: germline.
Comment: This sequence change replaces aspartic acid, which is acidic and polar, with glycine, which is neutral and non-polar, at codon 863 of the ATM protein (p.Asp863Gly). This variant is not present in population databases (gnomAD no frequency). This variant has not been reported in the literature in individuals affected with ATM-related conditions. An algorithm developed to predict the effect of missense changes on protein structure and function (PolyPhen-2) suggests that this variant is likely to be tolerated. In summary, the available evidence is currently insufficient to determine the role of this variant in disease. Therefore, it has been classified as a Variant of Uncertain Significance.

NM_000051.4(ATM):c.2588A>G (p.Asp863Gly)

Gene: ATM (ATM serine/threonine kinase; plus strand). Cytogenetic location: 11q22.3.
Variant type: single nucleotide variant.
Coding change: c.2588A>G on transcript NM_000051.4 (MANE Select); coding-DNA position 2588, A replaced by G.
Protein change: p.Asp863Gly; replaces aspartic acid 863 with glycine.
Molecular consequence: missense variant.
Genome position (GRCh38, 1-based): chr11:108,267,292, A>G. VCF-style: chr11-108267292-A-G. GRCh37 (hg19) VCF-style: chr11-108138019-A-G.
Other names: c.2588A>G, p.Asp863Gly (NM_001351834.2); short protein forms D863G.
Identifiers: ClinVar variation 2769377 (VCV002769377.4), dbSNP rs1591588390, ClinGen allele CA382543997.